The following is an entry in ClinVar:

NM_001378120.1(MBD5):c.815C>G (p.Pro272Arg)

Gene: MBD5 (methyl-CpG binding domain protein 5; plus strand). Cytogenetic location: 2q23.1.
Variant type: single nucleotide variant.
Coding change: c.815C>G on transcript NM_001378120.1 (MANE Select); coding-DNA position 815, C replaced by G.
Protein change: p.Pro272Arg; replaces proline 272 with arginine.
Molecular consequence: missense variant.
Genome position (GRCh38, 1-based): chr2:148,468,758, C>G. VCF-style: chr2-148468758-C-G. GRCh37 (hg19) VCF-style: chr2-149226327-C-G.
Other names: c.815C>G, p.Pro272Arg (NM_018328.5); short protein forms P272R.
Identifiers: ClinVar variation 3731355 (VCV003731355.1).

ClinVar aggregate classification (germline): Uncertain significance (1 of 4 stars; one submission).

Conditions:
Intellectual developmental disorder, autosomal dominant 1. Also called: MBD5 Haploinsufficiency; Intellectual disability, autosomal dominant 1. Identifiers: Orphanet 228402, MedGen C1969562, MONDO:0007974, OMIM 156200.

Submission:

Neuberg Centre For Genomic Medicine, NCGM
Classification: Uncertain significance for Intellectual developmental disorder, autosomal dominant 1. Last evaluated: 2023-06-22. Review status: criteria provided, single submitter. Criteria: ACMG Guidelines, 2015. Collection method: clinical testing. Allele origin: germline. Inheritance: Autosomal dominant inheritance. Affected: yes.
Comment: The missense c.815C>G(p.Pro272Arg) variant in MBD5 gene has not been reported previously as a pathogenic variant nor as a benign variant, to our knowledge. The p.Pro272Arg variant is absent in gnomAD Exomes. This variant has not been submitted to the ClinVar database. Multiple lines of computational evidences (Polyphen - Probably damaging, SIFT - Damaging and MutationTaster - Disease causing) predict a damaging effect on protein structure and function for this variant. The reference amino acid at this position on MBD5 gene is predicted as conserved by GERP++ and PhyloP across 100 vertebrates. The amino acid Pro at position 272 is changed to a Arg changing protein sequence and it might alter its composition and physico-chemical properties. For these reasons, this variant has been classified as a Variant of Uncertain Significance (VUS).